The following is an entry in ClinVar:

ClinVar aggregate classification (germline): Conflicting classifications of pathogenicity. Review status: criteria provided, conflicting classifications (1 of 4 stars). 2 submissions from 2 submitters: Likely pathogenic (1); Uncertain significance (1). Last evaluated 2025-06-15.

Conditions:
Mitochondrial short-chain Enoyl-Coa hydratase 1 deficiency. Also called: Mitochondrial Short-Chain Enoyl-CoA Hydratase Deficiency; PxMD-ECHS1; ECHS1 deficiency. Identifiers: Orphanet 255241, Orphanet 653880, MedGen C4225391, MONDO:0014563, OMIM 616277.

Allele frequency attached by ClinVar (database versions not stated): gnomAD 0.00003; gnomAD exomes 0.00004; ExAC 0.00005; ESP Exome Variant Server 0.00008.
gnomAD v4.1: 56 of 1,613,542 alleles (0.0035%); highest among the groups gnomAD compares: Non-Finnish European, 0.0043%; no homozygotes.

Submissions (2):

Victorian Clinical Genetics Services, Murdoch Childrens Research Institute
Classification: Uncertain significance for Mitochondrial short-chain Enoyl-Coa hydratase 1 deficiency. Last evaluated: 2025-06-15. Review status: criteria provided, single submitter. Criteria: ACMG Guidelines, 2015. Collection method: clinical testing. Allele origin: germline. Affected: yes.
Comment: This variant is classified as VUS-3A. Evidence in support of pathogenic classification: Variant is present in gnomAD <0.01 for a recessive condition (v4: 56 heterozygote(s), 0 homozygote(s)); This variant has limited previous evidence of pathogenicity in an unrelated individual(s). This variant has been classified as likely pathogenic by a clinical laboratory in ClinVar; Missense variant predicted to be damaging by in silico tool(s) or highly conserved with a major amino acid change. Additional information: Variant is predicted to result in a missense amino acid change from proline to leucine; This variant is heterozygous; This gene is associated with autosomal recessive disease; Alternative amino acid change(s) at the same position are present in gnomAD (Highest allele count: v4: 2 heterozygote(s), 0 homozygote(s)); No published segregation evidence has been identified for this variant; Functional evidence for this variant is inconclusive. ECHS1 knockout cells transfected with this variant were only able to partially restore ATP levels when compared with knockout cells transfected with wildtype ECHS1 (PMID: 37055166); Another missense variant(s) comparable to the one identified in this case have inconclusive previous evidence for pathogenicity. p.(Pro163Thr) has been classified as a VUS by a clinical laboratory in ClinVar; Variant is located in the annotated enoyl-CoA hydratase/isomerase (DECIPHER). This variant is annotated as part of the substrate binding site of ECHS1 (NCBI); Loss of function is a known mechanism of disease in this gene and is associated with mitochondrial short-chain enoyl-CoA hydratase 1 deficiency (MIM#616277); Variants in this gene are known to have variable expressivity. The age at onset and clinical manifestations of ECHS1 deficiency, are known to vary from severe neonatal onset to a slowly progressive juvenile form (PMID: 36064416).

Institute of Human Genetics Munich, TUM University Hospital
Classification: Likely pathogenic for Mitochondrial short-chain Enoyl-Coa hydratase 1 deficiency. Last evaluated: 2017-11-16. Review status: criteria provided, single submitter. Criteria: Classification criteria August 2017. Collection method: clinical testing. Allele origin: maternal. Inheritance: Autosomal recessive inheritance. Affected: yes. Observed: 1 compound heterozygote.

Literature cited by the submitters: PubMed 37055166 (cited by Victorian Clinical Genetics Services, Murdoch Childrens Research Institute); PubMed 36064416 (cited by Victorian Clinical Genetics Services, Murdoch Childrens Research Institute).

NM_004092.4(ECHS1):c.488C>T (p.Pro163Leu)

Gene: ECHS1 (enoyl-CoA hydratase, short chain 1; minus strand). Cytogenetic location: 10q26.3.
Variant type: single nucleotide variant.
Coding change: c.488C>T on transcript NM_004092.4 (MANE Select); coding-DNA position 488, C replaced by T.
Protein change: p.Pro163Leu; replaces proline 163 with leucine.
Molecular consequence: missense variant.
Genome position (GRCh38, 1-based): chr10:133,368,949, G>A on the plus strand (C>T on the coding strand, the complement: ECHS1 is on the minus strand). VCF-style: chr10-133368949-G-A. GRCh37 (hg19) VCF-style: chr10-135182453-G-A.
Other names: short protein forms P163L.
Identifiers: ClinVar variation 488498 (VCV000488498.5), dbSNP rs371582393, ClinGen allele CA5765760.